The following is an entry in ClinVar:

NM_001035.3(RYR2):c.9157G>A (p.Val3053Ile)

Gene: RYR2 (ryanodine receptor 2; plus strand). Cytogenetic location: 1q43.
Variant type: single nucleotide variant.
Coding change: c.9157G>A on transcript NM_001035.3 (MANE Select); coding-DNA position 9157, G replaced by A.
Protein change: p.Val3053Ile; replaces valine 3053 with isoleucine.
Molecular consequence: missense variant.
Genome position (GRCh38, 1-based): chr1:237,700,257, G>A. VCF-style: chr1-237700257-G-A. GRCh37 (hg19) VCF-style: chr1-237863557-G-A.
Other names: short protein forms V3053I.
Identifiers: ClinVar variation 1765976 (VCV001765976.2), dbSNP rs1180095358, ClinGen allele CA345405476.

ClinVar aggregate classification (germline): Uncertain significance (1 of 4 stars; one submission).

Conditions:
Cardiovascular phenotype. Identifiers: MedGen CN230736.

Submission:

Ambry Genetics
Classification: Uncertain significance for Cardiovascular phenotype. Last evaluated: 2018-03-10. Review status: criteria provided, single submitter. Criteria: Ambry Variant Classification Scheme 2023. Collection method: clinical testing. Allele origin: germline.
Comment: The p.V3053I variant (also known as c.9157G>A), located in coding exon 65 of the RYR2 gene, results from a G to A substitution at nucleotide position 9157. The valine at codon 3053 is replaced by isoleucine, an amino acid with highly similar properties. This amino acid position is highly conserved in available vertebrate species. In addition, the in silico prediction for this alteration is inconclusive. Since supporting evidence is limited at this time, the clinical significance of this alteration remains unclear.